The following is an entry in ClinVar:

NM_153365.3(TAPT1):c.1054G>A (p.Val352Met)

Gene: TAPT1 (transmembrane anterior posterior transformation 1; minus strand). Cytogenetic location: 4p15.32.
Variant type: single nucleotide variant.
Coding change: c.1054G>A on transcript NM_153365.3 (MANE Select); coding-DNA position 1054, G replaced by A.
Protein change: p.Val352Met; replaces valine 352 with methionine.
Molecular consequence: missense variant.
Genome position (GRCh38, 1-based): chr4:16,176,172, C>T on the plus strand (G>A on the coding strand, the complement: TAPT1 is on the minus strand). VCF-style: chr4-16176172-C-T. GRCh37 (hg19) VCF-style: chr4-16177795-C-T.
Other names: c.1054G>A (NM_153365.2); short protein forms V352M.
Identifiers: ClinVar variation 1464378 (VCV001464378.8), dbSNP rs1455132724, ClinGen allele CA356494823.
Genomic context (GRCh38, chr4:16,176,172, plus strand): 5'-TACATACATCTGCAGTAATGTCATTGAATTTAGTAATAAAGGCATGTTTTACAATATCCA[C>T]GGCAATTTCTGATGCAATTACCATACAGACATCTGGAAACAACACCCAGAGATGATCTGT-3'
Protein context (NP_699196.2, residues 342-362): VCMVIASEIA[Val352Met]DIVKHAFITK

ClinVar aggregate classification (germline): Uncertain significance. Review status: criteria provided, multiple submitters, no conflicts (2 of 4 stars). 2 submissions from 2 submitters: Uncertain significance (2). Last evaluated 2026-03-17.

Conditions:
Inborn genetic diseases. Identifiers: MedGen C0950123, MeSH D030342.

Allele frequency attached by ClinVar (database versions not stated): TOPMed 0.00003; gnomAD 0.00002 and 0.00003.
gnomAD v4.1: 35 of 1,578,086 alleles (0.0022%); highest among the groups gnomAD compares: Admixed American, 0.0055%; no homozygotes.

Submissions (2):

Ambry Genetics
Classification: Uncertain significance for Inborn genetic diseases. Last evaluated: 2026-03-17. Review status: criteria provided, single submitter. Criteria: Ambry Variant Classification Scheme 2023. Collection method: clinical testing. Allele origin: germline.
Comment: The c.1054G>A (p.V352M) alteration is located in exon 9 (coding exon 9) of the TAPT1 gene. This alteration results from a G to A substitution at nucleotide position 1054, causing the valine (V) at amino acid position 352 to be replaced by a methionine (M). Based on data from gnomAD, the A allele has an overall frequency of 0.003% (5/202566) total alleles studied. The highest observed frequency was 0.005% (4/88250) of European (non-Finnish) alleles. Based on insufficient or conflicting evidence, the clinical significance of this alteration remains unclear.

Labcorp Genetics (formerly Invitae), Labcorp
Classification: Uncertain significance. Last evaluated: 2021-06-12. Review status: criteria provided, single submitter. Criteria: Invitae Variant Classification Sherloc (09022015). Collection method: clinical testing. Allele origin: germline.
Comment: This sequence change replaces valine with methionine at codon 352 of the TAPT1 protein (p.Val352Met). The valine residue is highly conserved and there is a small physicochemical difference between valine and methionine. In summary, the available evidence is currently insufficient to determine the role of this variant in disease. Therefore, it has been classified as a Variant of Uncertain Significance. Algorithms developed to predict the effect of missense changes on protein structure and function are either unavailable or do not agree on the potential impact of this missense change (SIFT: "Deleterious"; PolyPhen-2: "Probably Damaging"; Align-GVGD: "Class C0"). This variant has not been reported in the literature in individuals with TAPT1-related conditions. This variant is not present in population databases (ExAC no frequency).